The following is an entry in ClinVar:

NM_003072.5(SMARCA4):c.2488G>A (p.Val830Met)

Gene: SMARCA4 (SWI/SNF related BAF chromatin remodeling complex subunit ATPase 4; plus strand). Cytogenetic location: 19p13.2.
Variant type: single nucleotide variant.
Coding change: c.2488G>A on transcript NM_003072.5 (MANE Select); coding-DNA position 2488, G replaced by A.
Protein change: p.Val830Met; replaces valine 830 with methionine.
Molecular consequence: missense variant. On other transcripts: non-coding transcript variant (1).
Genome position (GRCh38, 1-based): chr19:11,019,006, G>A. VCF-style: chr19-11019006-G-A. GRCh37 (hg19) VCF-style: chr19-11129682-G-A.
Other names: c.2488G>A, p.Val830Met (NM_001128844.3, NM_001128845.2, NM_001128846.2 and 6 more transcripts); short protein forms V830M.
Identifiers: ClinVar variation 1792018 (VCV001792018.6), dbSNP rs2146360945, ClinGen allele CA404053715.

ClinVar aggregate classification (germline): Uncertain significance. Review status: criteria provided, multiple submitters, no conflicts (2 of 4 stars). 2 submissions from 2 submitters: Uncertain significance (2). Last evaluated 2023-08-07.

Conditions:
Hereditary cancer-predisposing syndrome. Also called: Hereditary Cancer Syndrome; Hereditary neoplastic syndrome; Tumor predisposition; Neoplastic Syndromes, Hereditary. Identifiers: Orphanet 140162, MedGen C0027672, MeSH D009386, MONDO:0015356.
Rhabdoid tumor predisposition syndrome 2 (RTPS2). Identifiers: Orphanet 231108, Orphanet 69077, MedGen C2750074, MONDO:0013224, OMIM 613325.

Allele frequency attached by ClinVar (database versions not stated): gnomAD exomes below 0.00001.
gnomAD v4.1: 1 of 1,614,096 alleles (0.000062%); highest among the groups gnomAD compares: Non-Finnish European, 0.000085%; no homozygotes.

Submissions (2):

Ambry Genetics
Classification: Uncertain significance for Hereditary cancer-predisposing syndrome. Last evaluated: 2023-08-07. Review status: criteria provided, single submitter. Criteria: Ambry Variant Classification Scheme 2023. Collection method: clinical testing. Allele origin: germline.
Comment: The p.V830M variant (also known as c.2488G>A), located in coding exon 16 of the SMARCA4 gene, results from a G to A substitution at nucleotide position 2488. The valine at codon 830 is replaced by methionine, an amino acid with highly similar properties. This amino acid position is highly conserved in available vertebrate species. In addition, this alteration is predicted to be deleterious by in silico analysis. Missense and in-frame variants in SMARCA4 are known to cause neurodevelopmental disorders; however, such associations with rhabdoid tumor predisposition syndrome including small cell carcinoma of the ovary-hypercalcemic type (SCCOHT) are exceedingly rare (Kosho T et al. Am J Med Genet C Semin Med Genet. 2014 Sep;166C(3):262-75; Jelinic P et al. Nat Genet. 2014 May;46(5):424-6). Since supporting evidence is limited at this time, the clinical significance of this alteration remains unclear.

Labcorp Genetics (formerly Invitae), Labcorp
Classification: Uncertain significance for Rhabdoid tumor predisposition syndrome 2. Last evaluated: 2023-06-14. Review status: criteria provided, single submitter. Criteria: Invitae Variant Classification Sherloc (09022015). Collection method: clinical testing. Allele origin: germline.
Comment: In summary, the available evidence is currently insufficient to determine the role of this variant in disease. Therefore, it has been classified as a Variant of Uncertain Significance. Advanced modeling of protein sequence and biophysical properties (such as structural, functional, and spatial information, amino acid conservation, physicochemical variation, residue mobility, and thermodynamic stability) performed at Invitae indicates that this missense variant is expected to disrupt SMARCA4 protein function. ClinVar contains an entry for this variant (Variation ID: 1792018). This variant has not been reported in the literature in individuals affected with SMARCA4-related conditions. This variant is not present in population databases (gnomAD no frequency). This sequence change replaces valine, which is neutral and non-polar, with methionine, which is neutral and non-polar, at codon 830 of the SMARCA4 protein (p.Val830Met).